The following is an entry in ClinVar:

ClinVar aggregate classification (germline): Uncertain significance (1 of 4 stars; one submission).

Conditions:
Intellectual disability, autosomal recessive 53 (NEDHSCA). Also called: GLYCOSYLPHOSPHATIDYLINOSITOL BIOSYNTHESIS DEFECT 13; Mental retardation, autosomal recessive 53; NEURODEVELOPMENTAL DISORDER WITH OR WITHOUT HYPOTONIA, SEIZURES, AND CEREBELLAR ATROPHY. Identifiers: Orphanet 488635, MedGen C4310794, MONDO:0014832, OMIM 616917.

Submission:

Labcorp Genetics (formerly Invitae), Labcorp
Classification: Uncertain significance for Intellectual disability, autosomal recessive 53. Last evaluated: 2021-08-24. Review status: criteria provided, single submitter. Criteria: Invitae Variant Classification Sherloc (09022015). Collection method: clinical testing. Allele origin: germline.
Comment: This sequence change replaces threonine with lysine at codon 124 of the PIGG protein (p.Thr124Lys). The threonine residue is highly conserved and there is a moderate physicochemical difference between threonine and lysine. This variant is not present in population databases (ExAC no frequency). This variant has not been reported in the literature in individuals affected with PIGG-related conditions. Algorithms developed to predict the effect of missense changes on protein structure and function (SIFT, PolyPhen-2, Align-GVGD) all suggest that this variant is likely to be disruptive. In summary, the available evidence is currently insufficient to determine the role of this variant in disease. Therefore, it has been classified as a Variant of Uncertain Significance.

NM_001127178.3(PIGG):c.371C>A (p.Thr124Lys)

Gene: PIGG (phosphatidylinositol glycan anchor biosynthesis class G (EMM blood group); plus strand). Cytogenetic location: 4p16.3.
Variant type: single nucleotide variant.
Coding change: c.371C>A on transcript NM_001127178.3 (MANE Select); coding-DNA position 371, C replaced by A.
Protein change: p.Thr124Lys; replaces threonine 124 with lysine.
Molecular consequence: missense variant. On other transcripts: 5 prime UTR variant (4), non-coding transcript variant (10), intron variant (1).
Genome position (GRCh38, 1-based): chr4:505,728, C>A. VCF-style: chr4-505728-C-A. GRCh37 (hg19) VCF-style: chr4-499517-C-A.
Other names: c.104C>A, p.Thr35Lys (NM_001289051.2, NM_001289053.2, NM_001289057.2 and 2 more transcripts); c.5C>A, p.Thr2Lys (NM_001289055.2); c.-517C>A (NM_001345988.2); c.371C>A, p.Thr124Lys (NM_001345989.2, NM_017733.5); c.-1255C>A (NM_001345990.2); c.-1117C>A (NM_001345991.2); c.-842C>A (NM_001345994.2); c.361-3101C>A (NM_001289052.2); short protein forms T124K, T2K, T35K.
Identifiers: ClinVar variation 476346 (VCV000476346.7), dbSNP rs370385328, ClinGen allele CA355894119.